The following is an entry in ClinVar:

ClinVar aggregate classification (germline): Likely pathogenic (1 of 4 stars; one submission).

Conditions:
Neurodevelopmental delay. Identifiers: MedGen C4022738, HP:0012758.

Submission:

Clinical Genetics Laboratory, Skane University Hospital Lund
Classification: Likely pathogenic for Neurodevelopmental delay. Last evaluated: 2026-02-02. Review status: criteria provided, single submitter. Criteria: ACMG Guidelines, 2015. Collection method: clinical testing. Allele origin: germline. Inheritance: Autosomal dominant inheritance. Affected: yes.
Comment: ACMG criteria used PVS1 and PM2

NM_006885.4(ZFHX3):c.1149_1171dup (p.Gln391fs)

Gene: ZFHX3 (zinc finger homeobox 3; minus strand). Cytogenetic location: 16q22.3.
Variant type: Duplication.
Coding change: c.1149_1171dup on transcript NM_006885.4 (MANE Select); coding-DNA positions 1149 to 1171, 23 bases duplicated (CGCCGCTGGCCCCGAGCAGCCCC).
Protein change: p.Gln391fs; shifts the reading frame from glutamine 391.
Molecular consequence: frameshift variant. On other transcripts: intron variant (1).
Genome position (GRCh38, 1-based): chr16:72,958,975-72,958,997, GGGGCTGCTCGGGGCCAGCGGCG duplicated on the plus strand (CGCCGCTGGCCCCGAGCAGCCCC on the coding strand, the reverse complement: ZFHX3 is on the minus strand); duplicating any 23 consecutive bases within chr16:72,958,975-72,958,998 gives the same sequence; the c. name uses the placement nearest the transcript's 3' end. VCF-style (leftmost placement, unchanged base first): chr16-72958974-T-TGGGGCTGCTCGGGGCCAGCGGCG. GRCh37 (hg19) VCF-style: chr16-72992873-T-TGGGGCTGCTCGGGGCCAGCGGCG.
Other names: c.1149_1171dup, p.Gln391fs (NM_001386735.1); c.-23-8032_-23-8010dup (NM_001164766.2); short protein forms Q391fs.
Identifiers: ClinVar variation 4689786 (VCV004689786.1).